The following is an entry in ClinVar:

ClinVar aggregate classification (germline): Uncertain significance (1 of 4 stars; one submission).

Conditions:
RYR1-related disorder. Also called: RYR1-related disorders; RYR1-related condition. Identifiers: MedGen CN239331.

Allele frequency attached by ClinVar (database versions not stated): gnomAD exomes below 0.00001; TOPMed below 0.00001; ExAC 0.00001; gnomAD 0.00001; ESP Exome Variant Server 0.00015.
gnomAD v4.1: 8 of 1,614,034 alleles (0.0005%); highest among the groups gnomAD compares: Non-Finnish European, 0.00068%; no homozygotes.

Submission:

Labcorp Genetics (formerly Invitae), Labcorp
Classification: Uncertain significance for RYR1-related disorder. Last evaluated: 2021-08-30. Review status: criteria provided, single submitter. Criteria: Invitae Variant Classification Sherloc (09022015). Collection method: clinical testing. Allele origin: germline.
Comment: This sequence change replaces glutamic acid with alanine at codon 2811 of the RYR1 protein (p.Glu2811Ala). The glutamic acid residue is highly conserved and there is a moderate physicochemical difference between glutamic acid and alanine. This variant is present in population databases (rs373238255, ExAC 0.002%). This variant has not been reported in the literature in individuals affected with RYR1-related conditions. Algorithms developed to predict the effect of missense changes on protein structure and function are either unavailable or do not agree on the potential impact of this missense change (SIFT: "Deleterious"; PolyPhen-2: "Benign"; Align-GVGD: "Class C0"). In summary, the available evidence is currently insufficient to determine the role of this variant in disease. Therefore, it has been classified as a Variant of Uncertain Significance.

NM_000540.3(RYR1):c.8432A>C (p.Glu2811Ala)

Genes: RYR1 (ryanodine receptor 1; plus strand), LOC126862902 (BRD4-independent group 4 enhancer GRCh37_chr19:38995830-38997029; plus strand). Cytogenetic location: 19q13.2.
Variant type: single nucleotide variant.
Coding change: c.8432A>C on transcript NM_000540.3 (MANE Select); coding-DNA position 8432, A replaced by C.
Protein change: p.Glu2811Ala; replaces glutamic acid 2811 with alanine.
Molecular consequence: missense variant.
Genome position (GRCh38, 1-based): chr19:38,505,837, A>C. VCF-style: chr19-38505837-A-C. GRCh37 (hg19) VCF-style: chr19-38996477-A-C.
Other names: c.8432A>C, p.Glu2811Ala (NM_001042723.2); short protein forms E2811A.
Identifiers: ClinVar variation 834583 (VCV000834583.7), dbSNP rs373238255, ClinGen allele CA072024.
Genomic context (GRCh38, chr19:38,505,837, plus strand): 5'-CCAACTCCCCACCCTCCTGTCCACCCCAGGACAAAGAGATTTACCGCTGGCCCATCAAGG[A>C]GTCCCTGAAGGCCATGATTGCCTGGGAATGGACGATAGAGAAGGCCAGGGAGGGTGAGGA-3'
Protein context (NP_000531.2, residues 2801-2821): DKEIYRWPIK[Glu2811Ala]SLKAMIAWEW